The following is an entry in ClinVar:

ClinVar aggregate classification (germline): Likely benign (0 of 4 stars; one submission).

Conditions:
HOXD9-related disorder. Also called: HOXD9-related condition.

gnomAD v4.1: 1,179 of 1,403,266 alleles (0.084%); highest among the groups gnomAD compares: South Asian, 0.17%; 1 homozygote.

Submission:

PreventionGenetics, part of Exact Sciences
Classification: Likely benign for HOXD9-related condition. Last evaluated: 2023-03-20. Review status: no assertion criteria provided. Collection method: clinical testing. Allele origin: germline.
Comment: This variant is classified as likely benign based on ACMG/AMP sequence variant interpretation guidelines (Richards et al. 2015 PMID: 25741868, with internal and published modifications).

NM_014213.4(HOXD9):c.463G>C (p.Gly155Arg)

Gene: HOXD9 (homeobox D9; plus strand). Cytogenetic location: 2q31.1.
Variant type: single nucleotide variant.
Coding change: c.463G>C on transcript NM_014213.4 (MANE Select); coding-DNA position 463, G replaced by C.
Protein change: p.Gly155Arg; replaces glycine 155 with arginine.
Molecular consequence: missense variant.
Genome position (GRCh38, 1-based): chr2:176,123,231, G>C. VCF-style: chr2-176123231-G-C. GRCh37 (hg19) VCF-style: chr2-176987959-G-C.
Other names: short protein forms G155R.
Identifiers: ClinVar variation 3043845 (VCV003043845.2), dbSNP rs191379716, ClinGen allele CA1977572.